The following is an entry in ClinVar:

NM_005732.4(RAD50):c.3778C>T (p.Arg1260Cys)

Genes: TH2LCRR (T helper type 2 locus control region associated RNA; minus strand), RAD50 (RAD50 double strand break repair protein; plus strand). Cytogenetic location: 5q31.1.
Variant type: single nucleotide variant.
Coding change: c.3778C>T on transcript NM_005732.4 (MANE Select); coding-DNA position 3778, C replaced by T.
Protein change: p.Arg1260Cys; replaces arginine 1260 with cysteine.
Molecular consequence: missense variant. On other transcripts: non-coding transcript variant (1).
Genome position (GRCh38, 1-based): chr5:132,642,203, C>T. VCF-style: chr5-132642203-C-T. GRCh37 (hg19) VCF-style: chr5-131977895-C-T.
Other names: short protein forms R1260C.
Identifiers: ClinVar variation 457469 (VCV000457469.12), dbSNP rs1381323366, ClinGen allele CA360935701.
Genomic context (GRCh38, chr5:132,642,203, plus strand): 5'-TTTACTAATAATATGTTCTGAATATATTGTTGCAGGATAATAAAAAGTCGCTCACAGCAG[C>T]GTAACTTCCAGCTTCTGGTAATCACTCATGATGAAGATTTTGTGGAGCTTTTAGGACGTT-3'
Protein context (NP_005723.2, residues 1250-1270): VEIIKSRSQQ[Arg1260Cys]NFQLLVITHD

ClinVar aggregate classification (germline): Uncertain significance. Review status: criteria provided, multiple submitters, no conflicts (2 of 4 stars). 2 submissions from 2 submitters: Uncertain significance (2). Last evaluated 2023-08-23.

Conditions:
Hereditary cancer-predisposing syndrome. Also called: Neoplastic Syndromes, Hereditary; Tumor predisposition; Hereditary Cancer Syndrome; Hereditary neoplastic syndrome. Identifiers: Orphanet 140162, MedGen C0027672, MeSH D009386, MONDO:0015356.
Nijmegen breakage syndrome-like disorder (NBSLD). Also called: MICROCEPHALY AND SPONTANEOUS CHROMOSOME INSTABILITY WITHOUT IMMUNODEFICIENCY; NBS-LIKE DISORDER; RAD50 DEFICIENCY. Identifiers: Orphanet 240760, MedGen C2751318, MONDO:0013118, OMIM 613078.

Allele frequency attached by ClinVar (database versions not stated): gnomAD exomes below 0.00001; gnomAD 0.00001.

Submissions (2):

Labcorp Genetics (formerly Invitae), Labcorp
Classification: Uncertain significance for Hereditary cancer-predisposing syndrome. Last evaluated: 2023-08-23. Review status: criteria provided, single submitter. Criteria: Invitae Variant Classification Sherloc (09022015). Collection method: clinical testing. Allele origin: germline.
Comment: Advanced modeling of protein sequence and biophysical properties (such as structural, functional, and spatial information, amino acid conservation, physicochemical variation, residue mobility, and thermodynamic stability) performed at Invitae indicates that this missense variant is expected to disrupt RAD50 protein function. In summary, the available evidence is currently insufficient to determine the role of this variant in disease. Therefore, it has been classified as a Variant of Uncertain Significance. ClinVar contains an entry for this variant (Variation ID: 457469). This variant has not been reported in the literature in individuals affected with RAD50-related conditions. This variant is present in population databases (no rsID available, gnomAD 0.01%). This sequence change replaces arginine, which is basic and polar, with cysteine, which is neutral and slightly polar, at codon 1260 of the RAD50 protein (p.Arg1260Cys).

Baylor Genetics
Classification: Uncertain significance for Nijmegen breakage syndrome-like disorder. Last evaluated: 2023-07-31. Review status: criteria provided, single submitter. Criteria: ACMG Guidelines, 2015. Collection method: clinical testing. Allele origin: unknown.